The following is an entry in ClinVar:

ClinVar aggregate classification (germline): Likely pathogenic (1 of 4 stars; one submission).

Conditions:
Autosomal recessive limb-girdle muscular dystrophy type 2A (LGMDR1). Also called: Limb-girdle muscular dystrophy, type 2A; Muscular dystrophy, limb-girdle, type 2A, Amish; Calpainopathy; LEYDEN-MOEBIUS MUSCULAR DYSTROPHY; MUSCULAR DYSTROPHY, PELVOFEMORAL. Identifiers: Orphanet 267, MedGen C1869123, MONDO:0009675, OMIM 253600. Disease mechanism: loss of function.

Submission:

Juno Genomics, Hangzhou Juno Genomics, Inc
Classification: Likely pathogenic for Autosomal recessive limb-girdle muscular dystrophy type 2A. Review status: criteria provided, single submitter. Criteria: ACMG Guidelines, 2015. Collection method: clinical testing. Allele origin: germline.
Comment: Null variant in a gene where loss of function (LOF) is a known mechanism of disease.;Absent from controls (or at extremely low frequency if recessive) in Genome Aggregation Database.

NM_000070.3(CAPN3):c.2286del (p.Tyr763fs)

Gene: CAPN3 (calpain 3; plus strand). Cytogenetic location: 15q15.1.
Variant type: Deletion.
Coding change: c.2286del on transcript NM_000070.3 (MANE Select); coding-DNA position 2286, one base deleted (C; older notation c.2286delC).
Protein change: p.Tyr763fs; shifts the reading frame from tyrosine 763.
Molecular consequence: frameshift variant.
Genome position (GRCh38, 1-based): chr15:42,410,906, C deleted. VCF-style (leftmost placement, unchanged base first): chr15-42410905-TC-T. GRCh37 (hg19) VCF-style: chr15-42703103-TC-T.
Other names: c.2268del, p.Tyr757fs (NM_024344.2); c.2010del, p.Tyr671fs (NM_173087.2); c.750del, p.Tyr251fs (NM_173088.2); c.291del, p.Tyr98fs (NM_173089.2, NM_173090.2); short protein forms Y757fs, Y98fs, Y251fs, Y671fs, Y763fs.
Identifiers: ClinVar variation 5005401 (VCV005005401.2).
Genomic context (GRCh38, chr15:42,410,905, plus strand): 5'-CCAGCTCCACGTCCACCTCTAACATGGTCCCCTCCACAGGATTCCACCTCAACAACCAGC[TC>T]TATGACATCATTACCATGCGGTACGCAGACAAACACATGAACATCGACTTTGACAGTTTC-3'